The following is an entry in ClinVar:

ClinVar aggregate classification (germline): Conflicting classifications of pathogenicity. Review status: criteria provided, conflicting classifications (1 of 4 stars). 2 submissions from 2 submitters: Uncertain significance (1); Likely benign (1). Last evaluated 2022-11-03.

Allele frequency attached by ClinVar (database versions not stated): ExAC 0.00002; gnomAD 0.00007; TOPMed 0.00014; ESP Exome Variant Server 0.00015.
gnomAD v4.1: 27 of 1,613,960 alleles (0.0017%); highest among the groups gnomAD compares: African/African-American, 0.031%; no homozygotes.

Submissions (2):

Blueprint Genetics
Classification: Likely benign. Last evaluated: 2022-11-03. Review status: criteria provided, single submitter. Criteria: ACMG Guidelines, 2015. Collection method: clinical testing. Allele origin: germline.

GeneDx
Classification: Uncertain significance. Last evaluated: 2022-09-22. Review status: criteria provided, single submitter. Criteria: GeneDx Variant Classification Process June 2021. Collection method: clinical testing. Allele origin: germline. Affected: yes.
Comment: In silico analysis supports that this missense variant does not alter protein structure/function; Has not been previously published as pathogenic or benign to our knowledge

NM_005559.4(LAMA1):c.4567C>A (p.Arg1523Ser)

Gene: LAMA1 (laminin subunit alpha 1; minus strand). Cytogenetic location: 18p11.31.
Variant type: single nucleotide variant.
Coding change: c.4567C>A on transcript NM_005559.4 (MANE Select); coding-DNA position 4567, C replaced by A.
Protein change: p.Arg1523Ser; replaces arginine 1523 with serine.
Molecular consequence: missense variant.
Genome position (GRCh38, 1-based): chr18:6,999,541, G>T on the plus strand (C>A on the coding strand, the complement: LAMA1 is on the minus strand). VCF-style: chr18-6999541-G-T. GRCh37 (hg19) VCF-style: chr18-6999540-G-T.
Other names: short protein forms R1523S.
Identifiers: ClinVar variation 2446110 (VCV002446110.2), dbSNP rs141200670, ClinGen allele CA8881881.